The following is an entry in ClinVar:

NM_022834.5(VWA1):c.208G>T (p.Ala70Ser)

Gene: VWA1 (von Willebrand factor A domain containing 1; plus strand). Cytogenetic location: 1p36.33.
Variant type: single nucleotide variant.
Coding change: c.208G>T on transcript NM_022834.5 (MANE Select); coding-DNA position 208, G replaced by T.
Protein change: p.Ala70Ser; replaces alanine 70 with serine.
Molecular consequence: missense variant. On other transcripts: intron variant (1).
Genome position (GRCh38, 1-based): chr1:1,437,061, G>T. VCF-style: chr1-1437061-G-T. GRCh37 (hg19) VCF-style: chr1-1372441-G-T.
Other names: c.74-261G>T (NM_199121.3); short protein forms A70S.
Identifiers: ClinVar variation 722916 (VCV000722916.7), dbSNP rs144569033, ClinGen allele CA523061.

ClinVar aggregate classification (germline): Likely benign. Review status: criteria provided, multiple submitters, no conflicts (2 of 4 stars). 4 submissions from 4 submitters: Likely benign (4). Last evaluated 2026-05-21.

Conditions:
VWA1-related disorder. Also called: VWA1-related condition.

Allele frequency attached by ClinVar (database versions not stated): gnomAD exomes 0.00017 and 0.00038; ExAC 0.00046; 1000 Genomes Project 0.00120; gnomAD 0.00149 and 0.00164; 1000 Genomes Project 30x 0.00156; TOPMed 0.00178; ESP Exome Variant Server 0.00185.

Submissions (4):

PreventionGenetics, part of Exact Sciences
Classification: Likely benign for VWA1-related condition. Last evaluated: 2026-05-21. Review status: criteria provided, single submitter. Criteria: ACMG Guidelines, 2015. Collection method: clinical testing. Allele origin: germline.
Comment: This variant is classified as likely benign based on ACMG/AMP sequence variant interpretation guidelines (Richards et al. 2015 PMID: 25741868, with internal and published modifications).

Women's Health and Genetics/Laboratory Corporation of America, LabCorp
Classification: Likely benign. Last evaluated: 2025-04-28. Review status: criteria provided, single submitter. Criteria: LabCorp Variant Classification Summary - May 2015. Collection method: clinical testing. Allele origin: germline.
Comment: Variant summary: VWA1 c.208G>T (p.Ala70Ser) results in a conservative amino acid change in the encoded protein sequence. Three of five in-silico tools predict a benign effect of the variant on protein function. The variant allele was found at a frequency of 0.00038 in 246004 control chromosomes, predominantly at a frequency of 0.0051 within the African or African-American subpopulation in the gnomAD database, including 1 homozygote. The observed variant frequency within African or African-American control individuals in the gnomAD database is approximately 4.56 fold of the estimated maximal expected allele frequency for a pathogenic variant in VWA1 causing Neuronopathy, distal hereditary motor, autosomal recessive 7 phenotype (0.0011). To our knowledge, no occurrence of c.208G>T in individuals affected with Neuronopathy, distal hereditary motor, autosomal recessive 7 and no experimental evidence demonstrating its impact on protein function have been reported. ClinVar contains an entry for this variant (Variation ID: 722916). Based on the evidence outlined above, the variant was classified as likely benign.

Labcorp Genetics (formerly Invitae), Labcorp
Classification: Likely benign. Last evaluated: 2018-01-25. Review status: criteria provided, single submitter. Criteria: Invitae Variant Classification Sherloc (09022015). Collection method: clinical testing. Allele origin: germline.

Breakthrough Genomics
Classification: Likely benign. Review status: criteria provided, single submitter. Criteria: ACMG Guidelines, 2015. Collection method: not provided. Allele origin: germline. Inheritance: Autosomal recessive inheritance. Affected: yes.